The following is an entry in ClinVar:

NM_001197104.2(KMT2A):c.7838G>C (p.Gly2613Ala)

Gene: KMT2A (lysine methyltransferase 2A; plus strand). Cytogenetic location: 11q23.3.
Variant type: single nucleotide variant.
Coding change: c.7838G>C on transcript NM_001197104.2 (MANE Select); coding-DNA position 7838, G replaced by C.
Protein change: p.Gly2613Ala; replaces glycine 2613 with alanine.
Molecular consequence: missense variant.
Genome position (GRCh38, 1-based): chr11:118,503,730, G>C. VCF-style: chr11-118503730-G-C. GRCh37 (hg19) VCF-style: chr11-118374445-G-C.
Other names: c.7829G>C, p.Gly2610Ala (NM_005933.4); short protein forms G2613A, G2610A.
Identifiers: ClinVar variation 1390626 (VCV001390626.8), dbSNP rs782440708, ClinGen allele CA229527112.
Genomic context (GRCh38, chr11:118,503,730, plus strand): 5'-ATCTTCCAGTACAGGACAGAAACCTAATGCTTCCAGATGGCCCCAAACCTCAGGAGGATG[G>C]CTCTTTTAAAAGGAGGTATCCCCGTCGCAGTGCCCGTGCACGTTCTAACATGTTTTTTGG-3'
Protein context (NP_001184033.1, residues 2603-2623): LPDGPKPQED[Gly2613Ala]SFKRRYPRRS

ClinVar aggregate classification (germline): Uncertain significance. Review status: criteria provided, multiple submitters, no conflicts (2 of 4 stars). 2 submissions from 2 submitters: Uncertain significance (2). Last evaluated 2025-01-20.

Allele frequency attached by ClinVar (database versions not stated): TOPMed below 0.00001.
gnomAD v4.1: 16 of 1,614,188 alleles (0.00099%); highest among the groups gnomAD compares: Non-Finnish European, 0.0013%; no homozygotes.

Submissions (2):

Labcorp Genetics (formerly Invitae), Labcorp
Classification: Uncertain significance. Last evaluated: 2025-01-20. Review status: criteria provided, single submitter. Criteria: Invitae Variant Classification Sherloc (09022015). Collection method: clinical testing. Allele origin: germline.
Comment: This sequence change replaces glycine, which is neutral and non-polar, with alanine, which is neutral and non-polar, at codon 2613 of the KMT2A protein (p.Gly2613Ala). This variant is not present in population databases (gnomAD no frequency). This variant has not been reported in the literature in individuals affected with KMT2A-related conditions. ClinVar contains an entry for this variant (Variation ID: 1390626). Invitae Evidence Modeling of protein sequence and biophysical properties (such as structural, functional, and spatial information, amino acid conservation, physicochemical variation, residue mobility, and thermodynamic stability) indicates that this missense variant is not expected to disrupt KMT2A protein function with a negative predictive value of 95%. In summary, the available evidence is currently insufficient to determine the role of this variant in disease. Therefore, it has been classified as a Variant of Uncertain Significance.

Blueprint Genetics
Classification: Uncertain significance. Last evaluated: 2021-12-29. Review status: criteria provided, single submitter. Criteria: ACMG Guidelines, 2015. Collection method: clinical testing. Allele origin: germline.